The following is an entry in ClinVar:

ClinVar aggregate classification (germline): Likely benign. Review status: criteria provided, multiple submitters, no conflicts (2 of 4 stars). 2 submissions from 2 submitters: Likely benign (2). Last evaluated 2023-06-10.

Allele frequency attached by ClinVar (database versions not stated): ExAC 0.00002; gnomAD exomes 0.00002 and 0.00004; TOPMed 0.00002; gnomAD 0.00005; ESP Exome Variant Server 0.00008.
gnomAD v4.1: 64 of 1,614,064 alleles (0.004%); highest among the groups gnomAD compares: Non-Finnish European, 0.0051%; no homozygotes.

Submissions (2):

Labcorp Genetics (formerly Invitae), Labcorp
Classification: Likely benign. Last evaluated: 2023-06-10. Review status: criteria provided, single submitter. Criteria: Invitae Variant Classification Sherloc (09022015). Collection method: clinical testing. Allele origin: germline.

GeneDx
Classification: Likely benign. Last evaluated: 2018-05-16. Review status: criteria provided, single submitter. Criteria: GeneDx Variant Classification (06012015). Collection method: clinical testing. Allele origin: germline. Affected: yes.
Comment: This variant is considered likely benign or benign based on one or more of the following criteria: it is a conservative change, it occurs at a poorly conserved position in the protein, it is predicted to be benign by multiple in silico algorithms, and/or has population frequency not consistent with disease.

NM_001098.3(ACO2):c.1483-11C>T

Gene: ACO2 (aconitase 2; plus strand). Cytogenetic location: 22q13.2.
Variant type: single nucleotide variant.
Coding change: c.1483-11C>T on transcript NM_001098.3 (MANE Select); 11 bases into the intron before coding-DNA position 1483, C replaced by T.
Molecular consequence: intron variant.
Genome position (GRCh38, 1-based): chr22:41,524,835, C>T. VCF-style: chr22-41524835-C-T. GRCh37 (hg19) VCF-style: chr22-41920839-C-T.
Identifiers: ClinVar variation 682549 (VCV000682549.4), dbSNP rs368909394, ClinGen allele CA10257683.